The following is an entry in ClinVar:

ClinVar aggregate classification (germline): Pathogenic/Likely pathogenic. Review status: criteria provided, multiple submitters, no conflicts (2 of 4 stars). 2 submissions from 2 submitters: Pathogenic (1); Likely pathogenic (1). Last evaluated 2018-09-01.

Conditions:
Oculodentodigital dysplasia, autosomal recessive. Also called: OCULODENTOOSSEOUS DYSPLASIA, AUTOSOMAL RECESSIVE; ODDD, AUTOSOMAL RECESSIVE; ODOD, AUTOSOMAL RECESSIVE. Identifiers: Orphanet 2710, MedGen C2749477, MONDO:0009768, OMIM 257850.

Submissions (2):

CeGaT Center for Human Genetics Tuebingen
Classification: Likely pathogenic. Last evaluated: 2018-09-01. Review status: criteria provided, single submitter. Criteria: CeGaT Center For Human Genetics Tuebingen Variant Classification Criteria Version 2. Collection method: clinical testing. Allele origin: germline. Affected: yes. Observed: 1 variant allele.

Labcorp Genetics (formerly Invitae), Labcorp
Classification: Pathogenic for Oculodentodigital dysplasia, autosomal recessive. Last evaluated: 2017-04-02. Review status: criteria provided, single submitter. Criteria: Invitae Variant Classification Sherloc (09022015). Collection method: clinical testing. Allele origin: germline.
Comment: This sequence change replaces aspartic acid with valine at codon 47 of the GJA1 protein (p.Asp47Val). The aspartic acid residue is highly conserved and there is a large physicochemical difference between aspartic acid and valine. This variant is not present in population databases (ExAC no frequency) and has not been reported in the literature in individuals with a GJA1-related disease. Several different missense substitution at this codon (p.Asp47) in the paralogous gene GJA8 have been determined to be pathogenic (PMID: 26004348, 27216975). This suggests that the aspartic acid residue is critical for GJA1 protein function and that other missense substitutions at this position may also be pathogenic, but these predictions have not been confirmed by published functional studies. For these reasons, this variant has been classified as Pathogenic. This variant has been shown to arise de novo in an individual affected with a GJA1-related condition (Invitae).

Literature cited by the submitters: PubMed 26004348 (cited by Labcorp Genetics (formerly Invitae), Labcorp); PubMed 27216975 (cited by Labcorp Genetics (formerly Invitae), Labcorp).

NM_000165.5(GJA1):c.140A>T (p.Asp47Val)

Gene: GJA1 (gap junction protein alpha 1; plus strand). Cytogenetic location: 6q22.31.
Variant type: single nucleotide variant.
Coding change: c.140A>T on transcript NM_000165.5 (MANE Select); coding-DNA position 140, A replaced by T.
Protein change: p.Asp47Val; replaces aspartic acid 47 with valine.
Molecular consequence: missense variant.
Genome position (GRCh38, 1-based): chr6:121,446,987, A>T. VCF-style: chr6-121446987-A-T. GRCh37 (hg19) VCF-style: chr6-121768133-A-T.
Other names: short protein forms D47V.
Identifiers: ClinVar variation 470213 (VCV000470213.49), dbSNP rs1554200995, ClinGen allele CA365557998.